The following is an entry in ClinVar:

ClinVar aggregate classification (germline): Uncertain significance (1 of 4 stars; one submission).

Conditions:
Generalized epilepsy with febrile seizures plus, type 7 (GEFSP7). Also called: GEFS+, TYPE 7. Identifiers: Orphanet 36387, MedGen C2751778, MONDO:0013470, OMIM 613863.
Neuropathy, hereditary sensory and autonomic, type 2A (HSAN2A). Also called: MORVAN DISEASE; WNK1-Related HSAN2 (HSAN2A); NEUROPATHY, CONGENITAL SENSORY; NEUROPATHY, HEREDITARY SENSORY RADICULAR, AUTOSOMAL RECESSIVE; NEUROPATHY, HEREDITARY SENSORY, TYPE IIA; NEUROPATHY, PROGRESSIVE SENSORY, OF CHILDREN. Identifiers: Orphanet 970, MedGen C2752089, MONDO:0024309, OMIM 201300.

Allele frequency attached by ClinVar (database versions not stated): TOPMed 0.00001.

Submission:

Labcorp Genetics (formerly Invitae), Labcorp
Classification: Uncertain significance for Neuropathy, hereditary sensory and autonomic, type 2A; Generalized epilepsy with febrile seizures plus, type 7. Last evaluated: 2024-10-23. Review status: criteria provided, single submitter. Criteria: Invitae Variant Classification Sherloc (09022015). Collection method: clinical testing. Allele origin: germline.
Comment: This sequence change replaces tyrosine, which is neutral and polar, with cysteine, which is neutral and slightly polar, at codon 1905 of the SCN9A protein (p.Tyr1905Cys). This variant is not present in population databases (gnomAD no frequency). This variant has not been reported in the literature in individuals affected with SCN9A-related conditions. ClinVar contains an entry for this variant (Variation ID: 2056182). Invitae Evidence Modeling of protein sequence and biophysical properties (such as structural, functional, and spatial information, amino acid conservation, physicochemical variation, residue mobility, and thermodynamic stability) indicates that this missense variant is not expected to disrupt SCN9A protein function with a negative predictive value of 95%. In summary, the available evidence is currently insufficient to determine the role of this variant in disease. Therefore, it has been classified as a Variant of Uncertain Significance.

NM_001365536.1(SCN9A):c.5747A>G (p.Tyr1916Cys)

Genes: SCN9A (sodium voltage-gated channel alpha subunit 9; minus strand), SCN1A-AS1 (SCN1A and SCN9A antisense RNA 1; plus strand). Cytogenetic location: 2q24.3.
Variant type: single nucleotide variant.
Coding change: c.5747A>G on transcript NM_001365536.1 (MANE Select); coding-DNA position 5747, A replaced by G.
Protein change: p.Tyr1916Cys; replaces tyrosine 1916 with cysteine.
Molecular consequence: missense variant.
Genome position (GRCh38, 1-based): chr2:166,198,892, T>C on the plus strand (A>G on the coding strand, the complement: SCN9A is on the minus strand). VCF-style: chr2-166198892-T-C. GRCh37 (hg19) VCF-style: chr2-167055402-T-C.
Other names: c.5714A>G, p.Tyr1905Cys (NM_002977.4); short protein forms Y1916C, Y1905C.
Identifiers: ClinVar variation 2056182 (VCV002056182.4), dbSNP rs986172214, ClinGen allele CA59782989.